The following is an entry in ClinVar:

ClinVar aggregate classification (germline): Likely benign (0 of 4 stars; one submission).

Conditions:
ASCL1-related disorder. Also called: ASCL1-related condition.

Submission:

PreventionGenetics, part of Exact Sciences
Classification: Likely benign for ASCL1-related condition. Last evaluated: 2021-05-24. Review status: no assertion criteria provided. Collection method: clinical testing. Allele origin: germline.
Comment: This variant is classified as likely benign based on ACMG/AMP sequence variant interpretation guidelines (Richards et al. 2015 PMID: 25741868, with internal and published modifications).

NM_004316.4(ASCL1):c.151CAG[21] (p.Gln62_Ala63insGlnGlnGlnGlnGlnGlnGlnGlnGln)

Genes: ASCL1 (achaete-scute family bHLH transcription factor 1; plus strand), PAH (phenylalanine hydroxylase; minus strand). Cytogenetic location: 12q23.2.
Variant type: Microsatellite.
Coding change: c.151CAG[21] on transcript NM_004316.4 (MANE Select); 21 copies in a row of the 3-base unit CAG starting at c.151; the reference has 12 copies in a row; nine copies, 27 bases duplicated.
Protein change: p.Gln62_Ala63insGlnGlnGlnGlnGlnGlnGlnGlnGln.
Molecular consequence: inframe insertion. On other transcripts: 5 prime UTR variant (1).
Genome position (GRCh38, 1-based): chr12:102,958,404-102,958,430, CAGCAGCAGCAGCAGCAGCAGCAGCAG duplicated; duplicating any 27 consecutive bases within chr12:102,958,394-102,958,430 gives the same sequence; the position shown is the placement nearest the transcript's 3' end. VCF-style (leftmost placement, unchanged base first): chr12-102958393-C-CGCAGCAGCAGCAGCAGCAGCAGCAGCA. GRCh37 (hg19) VCF-style: chr12-103352171-C-CGCAGCAGCAGCAGCAGCAGCAGCAGCA.
Other names: c.-330TGC[21] (NM_001354304.2).
Identifiers: ClinVar variation 3045630 (VCV003045630.2), dbSNP rs3832799, ClinGen allele CA682842818.